The following is an entry in ClinVar:

ClinVar aggregate classification (germline): Uncertain significance (1 of 4 stars; one submission).

Conditions:
Cutis laxa, autosomal recessive, type 1B (ARCL1B). Also called: EFEMP2-Related Cutis Laxa; CUTIS LAXA, AUTOSOMAL RECESSIVE, TYPE IB. Identifiers: Orphanet 90349, MedGen C3280798, MONDO:0013754, OMIM 614437. Disease mechanism: loss of function.

gnomAD v4.1: 5 of 1,614,054 alleles (0.00031%); highest among the groups gnomAD compares: South Asian, 0.0055%; no homozygotes.

Submission:

Labcorp Genetics (formerly Invitae), Labcorp
Classification: Uncertain significance for Cutis laxa, autosomal recessive, type 1B. Last evaluated: 2024-10-17. Review status: criteria provided, single submitter. Criteria: Invitae Variant Classification Sherloc (09022015). Collection method: clinical testing. Allele origin: germline.
Comment: This sequence change replaces arginine, which is basic and polar, with serine, which is neutral and polar, at codon 156 of the EFEMP2 protein (p.Arg156Ser). This variant is present in population databases (rs573771187, gnomAD 0.01%). This variant has not been reported in the literature in individuals affected with EFEMP2-related conditions. Invitae Evidence Modeling of protein sequence and biophysical properties (such as structural, functional, and spatial information, amino acid conservation, physicochemical variation, residue mobility, and thermodynamic stability) indicates that this missense variant is not expected to disrupt EFEMP2 protein function with a negative predictive value of 95%. In summary, the available evidence is currently insufficient to determine the role of this variant in disease. Therefore, it has been classified as a Variant of Uncertain Significance.

NM_016938.5(EFEMP2):c.466C>A (p.Arg156Ser)

Gene: EFEMP2 (EGF-like fibulin extracellular matrix protein 2; minus strand). Cytogenetic location: 11q13.1.
Variant type: single nucleotide variant.
Coding change: c.466C>A on transcript NM_016938.5 (MANE Select); coding-DNA position 466, C replaced by A.
Protein change: p.Arg156Ser; replaces arginine 156 with serine.
Molecular consequence: missense variant. On other transcripts: non-coding transcript variant (1).
Genome position (GRCh38, 1-based): chr11:65,870,560, G>T on the plus strand (C>A on the coding strand, the complement: EFEMP2 is on the minus strand). VCF-style: chr11-65870560-G-T. GRCh37 (hg19) VCF-style: chr11-65638031-G-T.
Other names: short protein forms R156S.
Identifiers: ClinVar variation 3691073 (VCV003691073.2).